The following is an entry in ClinVar:

ClinVar aggregate classification (germline): Benign (1 of 4 stars; one submission).

Conditions:
Monilethrix. Also called: Beaded hair. Identifiers: Orphanet 573, MedGen C0546966, MONDO:0008009, HP:0032470.

Allele frequency attached by ClinVar (database versions not stated): gnomAD exomes 0.00152 and 0.00080; gnomAD 0.00003; ExAC 0.00164; 1000 Genomes Project 0.00379; 1000 Genomes Project 30x 0.00359; TOPMed 0.00011.
gnomAD v4.1: 1,252 of 1,614,004 alleles (0.078%); highest among the groups gnomAD compares: South Asian, 1.3%; 23 homozygotes.

Submission:

Illumina Laboratory Services, Illumina
Classification: Benign for MONILETHRIX 1. Last evaluated: 2018-01-13. Review status: criteria provided, single submitter. Criteria: ICSL Variant Classification Criteria 13 December 2019. Collection method: clinical testing. Allele origin: germline.
Comment: This variant was observed in the ICSL laboratory as part of a predisposition screen in an ostensibly healthy population. It had not been previously curated by ICSL or reported in the Human Gene Mutation Database (HGMD: prior to June 1st, 2018), and was therefore a candidate for classification through an automated scoring system. Utilizing variant allele frequency, disease prevalence and penetrance estimates, and inheritance mode, an automated score was calculated to assess if this variant is too frequent to cause the disease. Based on the score and internal cut-off values, a variant classified as benign is not then subjected to further curation. The score for this variant resulted in a classification of benign for this disease.

NM_002282.3(KRT83):c.497C>G (p.Thr166Ser)

Gene: KRT83 (keratin 83; minus strand). Cytogenetic location: 12q13.13.
Variant type: single nucleotide variant.
Coding change: c.497C>G on transcript NM_002282.3 (MANE Select); coding-DNA position 497, C replaced by G.
Protein change: p.Thr166Ser; replaces threonine 166 with serine.
Molecular consequence: missense variant.
Genome position (GRCh38, 1-based): chr12:52,319,252, G>C on the plus strand (C>G on the coding strand, the complement: KRT83 is on the minus strand). VCF-style: chr12-52319252-G-C. GRCh37 (hg19) VCF-style: chr12-52713036-G-C.
Other names: short protein forms T166S.
Identifiers: ClinVar variation 309533 (VCV000309533.5), dbSNP rs200690744, ClinGen allele CA6577658.
Genomic context (GRCh38, chr12:52,319,252, plus strand): 5'-TTGAGCTCTGAGGCCAGCCTCCCACTGTCAGCCTCCACGCACTCGGCCTCCCGCCGCAGA[G>C]TCTCGATGTAGCCAGCAAACAGGGGCTCCAGGTTACTCTGGCAGCACTCGCGGTTTTGGT-3'
Protein context (NP_002273.3, residues 156-176): LEPLFAGYIE[Thr166Ser]LRREAECVEA